The following is an entry in ClinVar:

ClinVar aggregate classification (germline): Uncertain significance. Review status: criteria provided, multiple submitters, no conflicts (2 of 4 stars). 3 submissions from 3 submitters: Uncertain significance (3). Last evaluated 2026-01-25.

Conditions:
Hereditary hemorrhagic telangiectasia (HHT). Also called: ORW DISEASE; Osler Weber Rendu syndrome; OSLER-RENDU-WEBER DISEASE; Osler hemorrhagic telangiectasia syndrome. Identifiers: Orphanet 774, MedGen C0039445, MONDO:0019180. Disease mechanism: loss of function.
ENG-related disorder. Also called: ENG-related condition; ENG-related disorders.
Cardiovascular phenotype. Identifiers: MedGen CN230736.

Allele frequency attached by ClinVar (database versions not stated): gnomAD 0.00001; gnomAD exomes 0.00001; TOPMed 0.00001.
gnomAD v4.1: 4 of 1,594,264 alleles (0.00025%); highest among the groups gnomAD compares: Non-Finnish European, 0.00034%; no homozygotes.

Submissions (3):

Ambry Genetics
Classification: Uncertain significance for Cardiovascular phenotype. Last evaluated: 2026-01-25. Review status: criteria provided, single submitter. Criteria: Ambry Variant Classification Scheme 2023. Collection method: clinical testing. Allele origin: germline.
Comment: The p.P198T variant (also known as c.592C>A), located in coding exon 5 of the ENG gene, results from a C to A substitution at nucleotide position 592. The proline at codon 198 is replaced by threonine, an amino acid with highly similar properties. This amino acid position is conserved. In addition, this alteration is predicted to be tolerated by in silico analysis. Based on the available evidence, the clinical significance of this variant remains unclear.

Labcorp Genetics (formerly Invitae), Labcorp
Classification: Uncertain significance for Hereditary hemorrhagic telangiectasia. Last evaluated: 2024-01-26. Review status: criteria provided, single submitter. Criteria: Invitae Variant Classification Sherloc (09022015). Collection method: clinical testing. Allele origin: germline.
Comment: This sequence change replaces proline, which is neutral and non-polar, with threonine, which is neutral and polar, at codon 198 of the ENG protein (p.Pro198Thr). This variant is not present in population databases (gnomAD no frequency). This variant has not been reported in the literature in individuals affected with ENG-related conditions. ClinVar contains an entry for this variant (Variation ID: 1484952). Advanced modeling of protein sequence and biophysical properties (such as structural, functional, and spatial information, amino acid conservation, physicochemical variation, residue mobility, and thermodynamic stability) has been performed at Invitae for this missense variant, however the output from this modeling did not meet the statistical confidence thresholds required to predict the impact of this variant on ENG protein function. In summary, the available evidence is currently insufficient to determine the role of this variant in disease. Therefore, it has been classified as a Variant of Uncertain Significance.

PreventionGenetics, part of Exact Sciences
Classification: Uncertain significance for ENG-related condition. Last evaluated: 2023-10-11. Review status: criteria provided, single submitter. Criteria: ACMG Guidelines, 2015. Collection method: clinical testing. Allele origin: germline.
Comment: The ENG c.592C>A variant is predicted to result in the amino acid substitution p.Pro198Thr. To our knowledge, this variant has not been reported in the literature or in a large population database, indicating this variant is rare. Of note, another variant impacting the same amino acid (p.Pro198Leu) was found in a patient with hereditary hemorrhagic telangiectasia that also had a variant in ACVRL1 (Supplementary Table 1 in McDonald et al. 2011. PubMed ID: 21158752). At this time, the clinical significance of this variant is uncertain due to the absence of conclusive functional and genetic evidence.

NM_001114753.3(ENG):c.592C>A (p.Pro198Thr)

Gene: ENG (endoglin; minus strand). Cytogenetic location: 9q34.11.
Variant type: single nucleotide variant.
Coding change: c.592C>A on transcript NM_001114753.3 (MANE Select); coding-DNA position 592, C replaced by A.
Protein change: p.Pro198Thr; replaces proline 198 with threonine.
Molecular consequence: missense variant.
Genome position (GRCh38, 1-based): chr9:127,825,792, G>T on the plus strand (C>A on the coding strand, the complement: ENG is on the minus strand). VCF-style: chr9-127825792-G-T. GRCh37 (hg19) VCF-style: chr9-130588071-G-T.
Other names: c.592C>A, p.Pro198Thr (NM_000118.4, NM_001406715.1); c.46C>A, p.Pro16Thr (NM_001278138.2); c.592C>A (NM_001114753.1); short protein forms P16T, P198T.
Identifiers: ClinVar variation 1484952 (VCV001484952.9), dbSNP rs902721446, ClinGen allele CA200314080.